The following is an entry in ClinVar:

NM_018136.5(ASPM):c.4065+5A>C

Gene: ASPM (assembly factor for spindle microtubules; minus strand). Cytogenetic location: 1q31.3.
Variant type: single nucleotide variant.
Coding change: c.4065+5A>C on transcript NM_018136.5 (MANE Select); 5 bases into the intron after coding-DNA position 4065, A replaced by C.
Molecular consequence: intron variant.
Genome position (GRCh38, 1-based): chr1:197,117,784, T>G on the plus strand (A>C on the coding strand, the complement: ASPM is on the minus strand). VCF-style: chr1-197117784-T-G. GRCh37 (hg19) VCF-style: chr1-197086914-T-G.
Other names: c.4065+5A>C (NM_001206846.2).
Identifiers: ClinVar variation 2277880 (VCV002277880.2), dbSNP rs767222526, ClinGen allele CA1310008.

ClinVar aggregate classification (germline): Uncertain significance (1 of 4 stars; one submission).

Conditions:
Inborn genetic diseases. Identifiers: MedGen C0950123, MeSH D030342.

Allele frequency attached by ClinVar (database versions not stated): gnomAD exomes below 0.00001; ExAC 0.00001.
gnomAD v4.1: 1 of 1,609,754 alleles (0.000062%); highest among the groups gnomAD compares: African/African-American, 0.0013%; no homozygotes.

Submission:

Ambry Genetics
Classification: Uncertain significance for Inborn genetic diseases. Last evaluated: 2022-03-21. Review status: criteria provided, single submitter. Criteria: Ambry Variant Classification Scheme 2023. Collection method: clinical testing. Allele origin: germline.
Comment: The c.4065+5A>C intronic alteration consists of a A to C substitution nucleotides after coding exon 17 in the ASPM gene. Based on insufficient or conflicting evidence, the clinical significance of this alteration remains unclear.